The following is an entry in ClinVar:

NM_014391.3(ANKRD1):c.454-271_454-261del

Gene: ANKRD1 (ankyrin repeat domain 1; minus strand). Cytogenetic location: 10q23.31.
Variant type: Deletion.
Coding change: c.454-271_454-261del on transcript NM_014391.3 (MANE Select); 271 bases into the intron before coding-DNA position 454 through 261 bases into the intron before coding-DNA position 454, 11 bases deleted (CATTTAGATAG).
Molecular consequence: intron variant.
Genome position (GRCh38, 1-based): chr10:90,918,091-90,918,101, CTATCTAAATG deleted on the plus strand (CATTTAGATAG on the coding strand, the reverse complement: ANKRD1 is on the minus strand); deleting any 11 consecutive bases within chr10:90,918,091-90,918,103 gives the same sequence; the c. name uses the placement nearest the transcript's 3' end. VCF-style (leftmost placement, unchanged base first): chr10-90918090-ACTATCTAAATG-A. GRCh37 (hg19) VCF-style: chr10-92677847-ACTATCTAAATG-A.
Other names: c.454-271_454-261del11 (NM_014391.2).
Identifiers: ClinVar variation 669422 (VCV000669422.1), dbSNP rs78440918, ClinGen allele CA211423634.
Genomic context (GRCh38, chr10:90,918,090, plus strand): 5'-AATATACATTTCCAAGGGCTCAAAGGCCTACGTTGAGGAGTGTGAACTTAAAGGCTCAAA[ACTATCTAAATG>A]CTGACATCTCCGTTTCTTCTATCTTGCACCTTCCTTGTTCATGTAGCATTACCATGCAGA-3'

ClinVar aggregate classification (germline): Benign (1 of 4 stars; one submission).

Submission:

GeneDx
Classification: Benign. Last evaluated: 2018-06-14. Review status: criteria provided, single submitter. Criteria: GeneDx Variant Classification (06012015). Collection method: clinical testing. Allele origin: germline. Affected: yes.
Comment: This variant is considered likely benign or benign based on one or more of the following criteria: it is a conservative change, it occurs at a poorly conserved position in the protein, it is predicted to be benign by multiple in silico algorithms, and/or has population frequency not consistent with disease.